The following is an entry in ClinVar:

NM_000487.6(ARSA):c.979_979+3del

Gene: ARSA (arylsulfatase A; minus strand). Cytogenetic location: 22q13.33.
Variant type: Deletion.
Coding change: c.979_979+3del on transcript NM_000487.6 (MANE Select); coding-DNA position 979 through 3 bases into the intron after coding-DNA position 979, 4 bases deleted (GGTC; older notation c.979_979+3delGGTC).
Molecular consequence: splice donor variant.
Genome position (GRCh38, 1-based): chr22:50,626,151-50,626,154, GACC deleted on the plus strand (GGTC on the coding strand, the reverse complement: ARSA is on the minus strand); deleting any 4 consecutive bases within chr22:50,626,151-50,626,155 gives the same sequence; the c. name uses the placement nearest the transcript's 3' end. VCF-style (leftmost placement, unchanged base first): chr22-50626150-TGACC-T. GRCh37 (hg19) VCF-style: chr22-51064578-TGACC-T.
Other names: c.721_721+3del (NM_001362782.2, NM_001085428.3); c.979_979+3del (NM_001085427.3, NM_001085426.3, NM_001085425.3); c.979_979+3delGGTC (NM_000487.5).
Identifiers: ClinVar variation 370945 (VCV000370945.8), dbSNP rs1057516887, ClinGen allele CA16042036.

ClinVar aggregate classification (germline): Pathogenic/Likely pathogenic. Review status: criteria provided, multiple submitters, no conflicts (2 of 4 stars). 4 submissions from 4 submitters: Pathogenic (1); Likely pathogenic (2). 1 of the submissions does not count toward it. Last evaluated 2024-11-05.

Conditions:
Metachromatic leukodystrophy (MLD). Also called: Cerebral sclerosis diffuse metachromatic form; Arylsulfatase A Deficiency; SULFATIDE LIPIDOSIS; CEREBROSIDE SULFATASE DEFICIENCY; METACHROMATIC LEUKOENCEPHALOPATHY; ARSA DEFICIENCY. Identifiers: Orphanet 512, MedGen C0023522, MONDO:0018868, OMIM 250100.

Submissions (4):

3billion
Classification: Pathogenic for Metachromatic leukodystrophy. Last evaluated: 2024-11-05. Review status: criteria provided, single submitter. Criteria: ACMG Guidelines, 2015. Collection method: clinical testing. Allele origin: germline. Affected: yes.
Comment: The variant is observed at an extremely low frequency in the gnomAD v4.1.0 dataset (total allele frequency: 0.045%). Predicted Consequence/Location: Missense variant In silico tool predictions suggest damaging effect of the variant on gene or gene product [REVEL: 0.85 (>=0.6, sensitivity 0.68 and specificity 0.92); 3Cnet: 0.99 (>=0.6, sensitivity 0.72 and precision 0.9)]. The same nucleotide change resulting in the same amino acid change has been previously reported as pathogenic/likely pathogenic with strong evidence (ClinVar ID: VCV000003052 /PMID: 7866401). The variant has been reported to be in trans with a pathogenic variant as either compound heterozygous or homozygous in at least one similarly affected unrelated individual (PMID: 31186049). Different missense changes at the same codon (p.Pro428Ala, p.Pro428Ser) have been reported as pathogenic/likely pathogenic with strong evidence (ClinVar ID: VCV001470959, VCV002857864). Therefore, this variant is classified as Pathogenic according to the recommendation of ACMG/AMP guideline.

Labcorp Genetics (formerly Invitae), Labcorp
Classification: Likely pathogenic for Metachromatic leukodystrophy. Last evaluated: 2023-11-25. Review status: criteria provided, single submitter. Criteria: Invitae Variant Classification Sherloc (09022015). Collection method: clinical testing. Allele origin: germline.
Comment: This variant results in the deletion of part of exon 5 (c.979_979+3del) of the ARSA gene. It is expected to disrupt RNA splicing. Variants that disrupt the donor or acceptor splice site typically lead to a loss of protein function (PMID: 16199547), and loss-of-function variants in ARSA are known to be pathogenic (PMID: 8962139, 10477432). This variant is not present in population databases (gnomAD no frequency). This variant has not been reported in the literature in individuals affected with ARSA-related conditions. ClinVar contains an entry for this variant (Variation ID: 370945). Algorithms developed to predict the effect of sequence changes on RNA splicing suggest that this variant may disrupt the consensus splice site. In summary, the currently available evidence indicates that the variant is pathogenic, but additional data are needed to prove that conclusively. Therefore, this variant has been classified as Likely Pathogenic.

Women's Health and Genetics/Laboratory Corporation of America, LabCorp
Classification: Likely pathogenic for Metachromatic leukodystrophy. Last evaluated: 2022-04-28. Review status: criteria provided, single submitter. Criteria: LabCorp Variant Classification Summary - May 2015. Collection method: clinical testing. Allele origin: germline.
Comment: Variant summary: ARSA c.979_979+3delGGTC is located in a canonical splice-site and is predicted to affect mRNA splicing resulting in a significantly altered protein due to either exon skipping, shortening, or inclusion of intronic material. Several computational tools predict a significant impact on normal splicing: Four predict the variant abolishes the canonical 5' splicing donor site. However, these predictions have yet to be confirmed by functional studies. The variant was absent in 223410 control chromosomes. To our knowledge, no occurrence of c.979_979+3delGGTC in individuals affected with Metachromatic Leukodystrophy and no experimental evidence demonstrating its impact on protein function have been reported. One clinical diagnostic laboratory has submitted clinical-significance assessments for this variant to ClinVar after 2014 without evidence for independent evaluation and classified the variant as likely pathogenic. Based on the evidence outlined above, the variant was classified as likely pathogenic.

Counsyl
Classification: Likely pathogenic for Metachromatic leukodystrophy. Last evaluated: 2016-05-19. Review status: no assertion criteria provided. Collection method: clinical testing. Allele origin: unknown. Not counted in ClinVar's aggregate classification.

Literature cited by the submitters: PubMed 16199547 (cited by Labcorp Genetics (formerly Invitae), Labcorp); PubMed 8962139 (cited by Labcorp Genetics (formerly Invitae), Labcorp); PubMed 10477432 (cited by Labcorp Genetics (formerly Invitae), Labcorp).